The following is an entry in ClinVar:

NM_032242.4(PLXNA1):c.1863C>T (p.Ser621=)

Gene: PLXNA1 (plexin A1; plus strand). Cytogenetic location: 3q21.3.
Variant type: single nucleotide variant.
Coding change: c.1863C>T on transcript NM_032242.4 (MANE Select); coding-DNA position 1863, C replaced by T.
Protein change: p.Ser621=; no amino-acid change (serine 621 retained).
Molecular consequence: synonymous variant.
Genome position (GRCh38, 1-based): chr3:127,005,209, C>T. VCF-style: chr3-127005209-C-T. GRCh37 (hg19) VCF-style: chr3-126724052-C-T.
Identifiers: ClinVar variation 3351798 (VCV003351798.1).

ClinVar aggregate classification (germline): Likely benign (0 of 4 stars; one submission).

Conditions:
PLXNA1-related disorder. Also called: PLXNA1-related condition.

gnomAD v4.1: 39 of 1,611,368 alleles (0.0024%); highest among the groups gnomAD compares: Middle Eastern, 0.033%; 1 homozygote.

Submission:

PreventionGenetics, part of Exact Sciences
Classification: Likely benign for PLXNA1-related condition. Last evaluated: 2021-10-06. Review status: no assertion criteria provided. Collection method: clinical testing. Allele origin: germline.
Comment: This variant is classified as likely benign based on ACMG/AMP sequence variant interpretation guidelines (Richards et al. 2015 PMID: 25741868, with internal and published modifications).